The following is an entry in ClinVar:

NM_001297.5(CNGB1):c.803C>T (p.Pro268Leu)

Gene: CNGB1 (cyclic nucleotide gated channel subunit beta 1; minus strand). Cytogenetic location: 16q21.
Variant type: single nucleotide variant.
Coding change: c.803C>T on transcript NM_001297.5 (MANE Select); coding-DNA position 803, C replaced by T.
Protein change: p.Pro268Leu; replaces proline 268 with leucine.
Molecular consequence: missense variant.
Genome position (GRCh38, 1-based): chr16:57,958,444, G>A on the plus strand (C>T on the coding strand, the complement: CNGB1 is on the minus strand). VCF-style: chr16-57958444-G-A. GRCh37 (hg19) VCF-style: chr16-57992348-G-A.
Other names: c.803C>T, p.Pro268Leu (NM_001135639.2); c.785C>T, p.Pro262Leu (NM_001286130.2); short protein forms P262L, P268L.
Identifiers: ClinVar variation 1949960 (VCV001949960.5), dbSNP rs369288085, ClinGen allele CA281624189.

ClinVar aggregate classification (germline): Uncertain significance (1 of 4 stars; one submission).

Allele frequency attached by ClinVar (database versions not stated): gnomAD exomes below 0.00001; TOPMed below 0.00001; ESP Exome Variant Server 0.00008.
gnomAD v4.1: 7 of 1,611,142 alleles (0.00043%); highest among the groups gnomAD compares: Non-Finnish European, 0.00042%; no homozygotes.

Submission:

Labcorp Genetics (formerly Invitae), Labcorp
Classification: Uncertain significance. Last evaluated: 2022-04-17. Review status: criteria provided, single submitter. Criteria: Invitae Variant Classification Sherloc (09022015). Collection method: clinical testing. Allele origin: germline.
Comment: In summary, the available evidence is currently insufficient to determine the role of this variant in disease. Therefore, it has been classified as a Variant of Uncertain Significance. Advanced modeling of protein sequence and biophysical properties (such as structural, functional, and spatial information, amino acid conservation, physicochemical variation, residue mobility, and thermodynamic stability) performed at Invitae indicates that this missense variant is not expected to disrupt CNGB1 protein function. This variant has not been reported in the literature in individuals affected with CNGB1-related conditions. This variant is not present in population databases (gnomAD no frequency). This sequence change replaces proline, which is neutral and non-polar, with leucine, which is neutral and non-polar, at codon 268 of the CNGB1 protein (p.Pro268Leu).